The following is an entry in ClinVar:

ClinVar aggregate classification (germline): Uncertain significance. Review status: criteria provided, multiple submitters, no conflicts (2 of 4 stars). 2 submissions from 2 submitters: Uncertain significance (2). Last evaluated 2025-12-19.

Conditions:
Cardiovascular phenotype. Identifiers: MedGen CN230736.
Dilated cardiomyopathy 1II (CMD1II). Identifiers: Orphanet 154, MedGen C3554649, MONDO:0014073, OMIM 615184.

Allele frequency attached by ClinVar (database versions not stated): TOPMed 0.00001; gnomAD exomes below 0.00001; gnomAD 0.00002.
gnomAD v4.1: 5 of 1,614,078 alleles (0.00031%); highest among the groups gnomAD compares: African/African-American, 0.0027%; no homozygotes.

Submissions (2):

Labcorp Genetics (formerly Invitae), Labcorp
Classification: Uncertain significance for Dilated cardiomyopathy 1II. Last evaluated: 2025-12-19. Review status: criteria provided, single submitter. Criteria: Invitae Variant Classification Sherloc (09022015). Collection method: clinical testing. Allele origin: germline.
Comment: This sequence change replaces histidine, which is basic and polar, with asparagine, which is neutral and polar, at codon 101 of the CRYAB protein (p.His101Asn). This variant is not present in population databases (gnomAD no frequency). This variant has not been reported in the literature in individuals affected with CRYAB-related conditions. ClinVar contains an entry for this variant (Variation ID: 579144). An algorithm developed to predict the effect of missense changes on protein structure and function (PolyPhen-2) suggests that this variant is likely to be disruptive. In summary, the available evidence is currently insufficient to determine the role of this variant in disease. Therefore, it has been classified as a Variant of Uncertain Significance.

Ambry Genetics
Classification: Uncertain significance for Cardiovascular phenotype. Last evaluated: 2023-08-16. Review status: criteria provided, single submitter. Criteria: Ambry Variant Classification Scheme 2023. Collection method: clinical testing. Allele origin: germline.
Comment: The p.H101N variant (also known as c.301C>A), located in coding exon 2 of the CRYAB gene, results from a C to A substitution at nucleotide position 301. The histidine at codon 101 is replaced by asparagine, an amino acid with similar properties. This amino acid position is well conserved in available vertebrate species. In addition, the in silico prediction for this alteration is inconclusive. Since supporting evidence is limited at this time, the clinical significance of this alteration remains unclear.

NM_001289808.2(CRYAB):c.301C>A (p.His101Asn)

Gene: CRYAB (crystallin alpha B; minus strand). Cytogenetic location: 11q23.1.
Variant type: single nucleotide variant.
Coding change: c.301C>A on transcript NM_001289808.2 (MANE Select); coding-DNA position 301, C replaced by A.
Protein change: p.His101Asn; replaces histidine 101 with asparagine.
Molecular consequence: missense variant.
Genome position (GRCh38, 1-based): chr11:111,910,350, G>T on the plus strand (C>A on the coding strand, the complement: CRYAB is on the minus strand). VCF-style: chr11-111910350-G-T. GRCh37 (hg19) VCF-style: chr11-111781074-G-T.
Other names: c.301C>A, p.His101Asn (NM_001289807.1, NM_001368245.1, NM_001885.3); c.100C>A, p.His34Asn (NM_001330379.1, NM_001368246.1); c.301C>A (NM_001885.1); short protein forms H101N, H34N.
Identifiers: ClinVar variation 579144 (VCV000579144.12), dbSNP rs1029108489, ClinGen allele CA228545602.